The following is an entry in ClinVar:

ClinVar aggregate classification (germline): Uncertain significance (1 of 4 stars; one submission).

Conditions:
Syndromic X-linked intellectual disability 94 (MRXSW). Also called: X-linked intellectual disability due to GRIA3 anomalies; MENTAL RETARDATION, X-LINKED, SYNDROMIC 29. Identifiers: Orphanet 364028, MedGen C2678051, MONDO:0010402, OMIM 300699.

Submission:

Juno Genomics, Hangzhou Juno Genomics, Inc
Classification: Uncertain significance for Syndromic X-linked intellectual disability 94. Review status: criteria provided, single submitter. Criteria: ACMG Guidelines, 2015. Collection method: clinical testing. Allele origin: germline. Affected: yes.
Comment: Absent from controls (or at extremely low frequency if recessive) in Genome Aggregation Database.;Multiple lines of computational evidence support a deleterious effect on the gene or gene product.

NM_007325.5(GRIA3):c.1649C>T (p.Pro550Leu)

Gene: GRIA3 (glutamate ionotropic receptor AMPA type subunit 3; plus strand). Cytogenetic location: Xq25.
Variant type: single nucleotide variant.
Coding change: c.1649C>T on transcript NM_007325.5 (MANE Select); coding-DNA position 1649, C replaced by T.
Protein change: p.Pro550Leu; replaces proline 550 with leucine.
Molecular consequence: missense variant.
Genome position (GRCh38, 1-based): chrX:123,417,550, C>T. VCF-style: chrX-123417550-C-T. GRCh37 (hg19) VCF-style: chrX-122551401-C-T.
Other names: c.1649C>T, p.Pro550Leu (NM_000828.5); short protein forms P550L.
Identifiers: ClinVar variation 5018792 (VCV005018792.1).